The following is an entry in ClinVar:

NM_001013839.4(EXOC7):c.397A>G (p.Ser133Gly)

Gene: EXOC7 (exocyst complex component 7; minus strand). Cytogenetic location: 17q25.1.
Variant type: single nucleotide variant.
Coding change: c.397A>G on transcript NM_001013839.4 (MANE Select); coding-DNA position 397, A replaced by G.
Protein change: p.Ser133Gly; replaces serine 133 with glycine.
Molecular consequence: missense variant.
Genome position (GRCh38, 1-based): chr17:76,101,291, T>C on the plus strand (A>G on the coding strand, the complement: EXOC7 is on the minus strand). VCF-style: chr17-76101291-T-C. GRCh37 (hg19) VCF-style: chr17-74097372-T-C.
Other names: c.397A>G, p.Ser133Gly (NM_001145297.4, NM_001145298.4, NM_001145299.4 and 5 more transcripts); c.274A>G, p.Ser92Gly (NM_001282313.2); short protein forms S133G, S92G.
Identifiers: ClinVar variation 3376377 (VCV003376377.1).

ClinVar aggregate classification (germline): Uncertain significance (1 of 4 stars; one submission).

Conditions:
Neurodevelopmental disorder with seizures and brain atrophy. Identifiers: MedGen C5436732, MONDO:0033658, OMIM 619072.

Submission:

Pittsburgh Clinical Genomics Laboratory, University of Pittsburgh Medical Center
Classification: Uncertain significance for Neurodevelopmental disorder with seizures and brain atrophy. Last evaluated: 2024-01-29. Review status: criteria provided, single submitter. Criteria: ACMG Guidelines, 2015. Collection method: clinical testing. Allele origin: germline. Inheritance: Autosomal recessive inheritance. Affected: yes.
Comment: This sequence variant is a single nucleotide substitution (A>G) at position 397 of the coding sequence of the EXOC7 gene that results in a serine to glycine amino acid change at residue 133 of the exocyst complex component 7 protein. This serine residue is predicted to be post-translationally glycosylated (UniProt). This variant has not been reported in ClinVar or published literature. This variant is present in 1/628782 alleles (0.0001590%) in gnomAD v4.0.0 database. Multiple bioinformatic tools predict that this amino acid change would be damaging, and the Ser133 residue at this position is highly conserved across the vertebrate species examined. Studies examining the functional consequence of this variant have not been performed, to our knowledge. At this time, there is insufficient evidence to determine if this variant is pathogenic or benign. Therefore, we consider this a variant of uncertain significance. ACMG Criteria: PM2, PP3